The following is an entry in ClinVar:

ClinVar aggregate classification (germline): Uncertain significance. Review status: criteria provided, multiple submitters, no conflicts (2 of 4 stars). 3 submissions from 3 submitters: Uncertain significance (3). Last evaluated 2025-10-02.

Conditions:
Xanthinuria type II. Also called: Xanthine dehydrogenase and aldehyde oxidase combined deficiency of; XDH and AOX dual deficiency. Identifiers: Orphanet 3467, Orphanet 93602, MedGen C1863688, MONDO:0011346, OMIM 603592.

Allele frequency attached by ClinVar (database versions not stated): gnomAD 0.00004; TOPMed 0.00005; gnomAD exomes 0.00007 and 0.00008; ExAC 0.00008; ESP Exome Variant Server 0.00015.
gnomAD v4.1: 106 of 1,607,358 alleles (0.0066%); highest among the groups gnomAD compares: Non-Finnish European, 0.0076%; no homozygotes.

Submissions (3):

Labcorp Genetics (formerly Invitae), Labcorp
Classification: Uncertain significance for Xanthinuria type II. Last evaluated: 2025-10-02. Review status: criteria provided, single submitter. Criteria: Invitae Variant Classification Sherloc (09022015). Collection method: clinical testing. Allele origin: germline.
Comment: This sequence change replaces aspartic acid, which is acidic and polar, with asparagine, which is neutral and polar, at codon 150 of the MOCOS protein (p.Asp150Asn). This variant is present in population databases (rs371822612, gnomAD 0.02%). This variant has not been reported in the literature in individuals affected with MOCOS-related conditions. ClinVar contains an entry for this variant (Variation ID: 1468591). Invitae Evidence Modeling of protein sequence and biophysical properties (such as structural, functional, and spatial information, amino acid conservation, physicochemical variation, residue mobility, and thermodynamic stability) indicates that this missense variant is not expected to disrupt MOCOS protein function with a negative predictive value of 80%. In summary, the available evidence is currently insufficient to determine the role of this variant in disease. Therefore, it has been classified as a Variant of Uncertain Significance.

Ambry Genetics
Classification: Uncertain significance. Last evaluated: 2022-01-26. Review status: criteria provided, single submitter. Criteria: Ambry Variant Classification Scheme 2023. Collection method: clinical testing. Allele origin: germline.

Fulgent Genetics
Classification: Uncertain significance for Xanthinuria type II. Last evaluated: 2021-12-28. Review status: criteria provided, single submitter. Criteria: ACMG Guidelines, 2015. Collection method: clinical testing. Allele origin: unknown.

NM_017947.4(MOCOS):c.448G>A (p.Asp150Asn)

Gene: MOCOS (molybdenum cofactor sulfurase; plus strand). Cytogenetic location: 18q12.2.
Variant type: single nucleotide variant.
Coding change: c.448G>A on transcript NM_017947.4 (MANE Select); coding-DNA position 448, G replaced by A.
Protein change: p.Asp150Asn; replaces aspartic acid 150 with asparagine.
Molecular consequence: missense variant.
Genome position (GRCh38, 1-based): chr18:36,199,831, G>A. VCF-style: chr18-36199831-G-A. GRCh37 (hg19) VCF-style: chr18-33779794-G-A.
Other names: c.448G>A (NM_017947.2); short protein forms D150N.
Identifiers: ClinVar variation 1468591 (VCV001468591.8), dbSNP rs371822612, ClinGen allele CA8940435.
Genomic context (GRCh38, chr18:36,199,831, plus strand): 5'-GCCTTTCCATGGGTGTCCCAGGGCCCAGAGAGCAGTGGGAGTCGCTTCTGTTACCTCACC[G>A]ACAGCCACACCTCCGTAGTGGGTATGCGGAACGTGACCATGGCTATAAATGTCATATCCA-3'
Protein context (NP_060417.4, residues 140-160): SSGSRFCYLT[Asp150Asn]SHTSVVGMRN